The following is an entry in ClinVar:

NM_006231.4(POLE):c.1020+8_1020+57del

Gene: POLE (DNA polymerase epsilon, catalytic subunit; minus strand). Cytogenetic location: 12q24.33.
Variant type: Deletion.
Coding change: c.1020+8_1020+57del on transcript NM_006231.4 (MANE Select); bases 8 to 57 of the intron after coding-DNA position 1020, 50 bases deleted.
Molecular consequence: intron variant.
Genome position (GRCh38, 1-based): chr12:132,676,037-132,676,086, 50 bases deleted; deleting any 50 consecutive bases within chr12:132,676,037-132,676,089 gives the same sequence; the c. name uses the placement nearest the transcript's 3' end. GRCh37 (hg19): chr12:133,252,626-133,252,675.
Identifiers: ClinVar variation 3904464 (VCV003904464.1).

ClinVar aggregate classification (germline): Likely benign (1 of 4 stars; one submission).

Conditions:
Colorectal cancer, susceptibility to, 12 (CRCS12). Also called: COLORECTAL CANCER, SUSCEPTIBILITY TO, ON CHROMOSOME 12q24. Identifiers: Orphanet 220460, MedGen C3554460, MONDO:0014038, OMIM 615083.

Submission:

Myriad Genetics, Inc.
Classification: Likely benign for Colorectal cancer, susceptibility to, 12. Last evaluated: 2025-02-07. Review status: criteria provided, single submitter. Criteria: Myriad Autosomal Dominant, Autosomal Recessive and X-Linked Classification Criteria (2023). Collection method: clinical testing. Allele origin: unknown.
Comment: This variant is considered likely benign. This variant is intronic and is not expected to impact mRNA splicing.